The following is an entry in ClinVar:

NM_001433705.1(NLRP5):c.725C>A (p.Ser242Ter)

Genes: NLRP5 (NLR family pyrin domain containing 5; plus strand), LOC126862935 (BRD4-independent group 4 enhancer GRCh37_chr19:56537936-56539135; plus strand). Cytogenetic location: 19q13.43.
Variant type: single nucleotide variant.
Coding change: c.725C>A on transcript NM_001433705.1 (MANE Select); coding-DNA position 725, C replaced by A.
Protein change: p.Ser242Ter; replaces serine 242 with a stop codon.
Molecular consequence: nonsense.
Genome position (GRCh38, 1-based): chr19:56,027,111, C>A. VCF-style: chr19-56027111-C-A. GRCh37 (hg19) VCF-style: chr19-56538477-C-A.
Other names: NM_153447.4:c.878C>A; short protein forms S242*.
Identifiers: ClinVar variation 4849364 (VCV004849364.1).
Genomic context (GRCh38, chr19:56,027,111, plus strand): 5'-ACCGGTGGGGCTTCCGGCCTCGCACGGTGGTTCTGCACGGAAAGTCAGGAATTGGGAAAT[C>A]GGCTCTAGCCAGAAGGATCGTGCTGTGCTGGGCGCAAGGTGGACTCTACCAGGGAATGTT-3'

ClinVar aggregate classification (germline): Likely pathogenic (1 of 4 stars; one submission).

Conditions:
Oocyte/zygote/embryo maturation arrest 19 (OZEMA19). Identifiers: MedGen C5830442, MONDO:0957231, OMIM 620333.

gnomAD v4.1: 45 of 1,580,782 alleles (0.0028%); highest among the groups gnomAD compares: Non-Finnish European, 0.0036%; no homozygotes.

Submission:

First Genomix Gene Laboratory, Genetic Diagnostics Department
Classification: Likely pathogenic for Oocyte/zygote/embryo maturation arrest 19. Last evaluated: 2025-07-16. Review status: criteria provided, single submitter. Criteria: ACMG Guidelines, 2015. Collection method: clinical testing. Allele origin: germline. Inheritance: Autosomal recessive inheritance. Affected: no. Observed: 1 variant allele.